The following is an entry in ClinVar:

ClinVar aggregate classification (germline): Conflicting classifications of pathogenicity. Review status: criteria provided, conflicting classifications (1 of 4 stars). 5 submissions from 5 submitters: Likely pathogenic (1); Uncertain significance (3). 1 of the submissions does not count toward it. Last evaluated 2026-01-02.

Conditions:
Cardiovascular phenotype. Identifiers: MedGen CN230736.
Fibromatosis, gingival, 1 (GINGF1). Identifiers: Orphanet 2024, MedGen C4551558, MONDO:0007609, OMIM 135300.
Noonan syndrome 4 (NS4). Also called: SOS1-Related Noonan Syndrome; NOONAN SYNDROME WITH PIGMENTED VILLONODULAR SYNOVITIS. Identifiers: Orphanet 648, MedGen C1853120, MONDO:0012547, OMIM 610733.

Submissions (5):

Ambry Genetics
Classification: Uncertain significance for Cardiovascular phenotype. Last evaluated: 2026-01-02. Review status: criteria provided, single submitter. Criteria: Ambry Variant Classification Scheme 2023. Collection method: clinical testing. Allele origin: germline.
Comment: The c.3248dupC variant, located in coding exon 20 of the SOS1 gene, results from a duplication of C at nucleotide position 3248, causing a translational frameshift with a predicted alternate stop codon (p.R1084Kfs*23). This variant was reported in individual(s) with features consistent with hereditary gingival fibromatosis and mucosal neuroma (Hart TC et al. Am J Hum Genet, 2002 Apr;70:943-54; Owens M et al. Clin Endocrinol (Oxf), 2016 May;84:715-9). This alteration is expected to result in protein truncation or nonsense-mediated mRNA decay. However, loss of function has not been established as a mechanism of disease. Based on the available evidence, the clinical significance of this alteration remains unclear.

Genomic Medicine Center of Excellence, King Faisal Specialist Hospital and Research Centre
Classification: Uncertain significance for Noonan syndrome 4. Last evaluated: 2024-12-19. Review status: criteria provided, single submitter. Criteria: ACMG Guidelines, 2015. Collection method: clinical testing. Allele origin: germline.

GeneDx
Classification: Uncertain significance. Last evaluated: 2023-08-11. Review status: criteria provided, single submitter. Criteria: GeneDx Variant Classification Process June 2021. Collection method: clinical testing. Allele origin: germline. Affected: yes.
Comment: Has not been previously published in an individual with SOS1-related RASopathy as pathogenic or benign to our knowledge, however it has been identified in a family suggestive of genetic gingival fibromatosis (Hart et al., 2002); Not observed at significant frequency in large population cohorts (gnomAD); Frameshift variant predicted to result in protein truncation or nonsense mediated decay in a gene or region of a gene for which loss of function is not a well-established mechanism of disease; This variant is associated with the following publications: (PMID: 11868160, 25974318, 26708403)

Fulgent Genetics
Classification: Likely pathogenic for Fibromatosis, gingival, 1; Noonan syndrome 4. Last evaluated: 2021-10-29. Review status: criteria provided, single submitter. Criteria: ACMG Guidelines, 2015. Collection method: clinical testing. Allele origin: unknown.

OMIM
Classification: Pathogenic for FIBROMATOSIS, GINGIVAL, 1. Last evaluated: 2002-04-01. Review status: no assertion criteria provided. Collection method: literature only. Allele origin: germline. Not counted in ClinVar's aggregate classification.

Literature cited by the submitters: PubMed 11868160 (cited by Ambry Genetics and OMIM); PubMed 26708403 (cited by Ambry Genetics).

NM_005633.4(SOS1):c.3248dup (p.Arg1084fs)

Gene: SOS1 (SOS Ras/Rac guanine nucleotide exchange factor 1; minus strand). Cytogenetic location: 2p22.1.
Variant type: Duplication.
Coding change: c.3248dup on transcript NM_005633.4 (MANE Select); coding-DNA position 3248, one base duplicated (C; older notation c.3248dupC).
Protein change: p.Arg1084fs; shifts the reading frame from arginine 1084.
Molecular consequence: frameshift variant.
Genome position (GRCh38, 1-based): chr2:38,995,221, G duplicated on the plus strand (C on the coding strand, the reverse complement: SOS1 is on the minus strand); the first of 2 consecutive G bases (chr2:38,995,221-38,995,222); duplicating either gives the same sequence. VCF-style (leftmost placement, unchanged base first): chr2-38995220-T-TG. GRCh37 (hg19) VCF-style: chr2-39222361-T-TG.
Other names: c.3227dup, p.Arg1077fs (NM_001382394.1); c.3248dup, p.Arg1084fs (NM_001382395.1); c.3248dupC (NM_005633.3); short protein forms R1084fs, R1077fs.
Identifiers: ClinVar variation 12868 (VCV000012868.9), dbSNP rs387906518, ClinGen allele CA122763.